The following is an entry in ClinVar:

NM_020821.3(VPS13C):c.1098T>A (p.Leu366=)

Gene: VPS13C (vacuolar protein sorting 13 homolog C; minus strand). Cytogenetic location: 15q22.2.
Variant type: single nucleotide variant.
Coding change: c.1098T>A on transcript NM_020821.3 (MANE Select); coding-DNA position 1098, T replaced by A.
Protein change: p.Leu366=; no amino-acid change (leucine 366 retained).
Molecular consequence: synonymous variant.
Genome position (GRCh38, 1-based): chr15:62,008,675, A>T on the plus strand (T>A on the coding strand, the complement: VPS13C is on the minus strand). VCF-style: chr15-62008675-A-T. GRCh37 (hg19) VCF-style: chr15-62300874-A-T.
Other names: c.1098T>A, p.Leu366= (NM_001018088.3); c.969T>A, p.Leu323= (NM_017684.5, NM_018080.4); c.1098T>A (NM_020821.2).
Identifiers: ClinVar variation 2073351 (VCV002073351.29), dbSNP rs116113749, ClinGen allele CA7597221.

ClinVar aggregate classification (germline): Likely benign. Review status: criteria provided, multiple submitters, no conflicts (2 of 4 stars). 3 submissions from 3 submitters: Likely benign (2). 1 of the submissions does not count toward it. Last evaluated 2024-10-22.

Conditions:
VPS13C-related disorder. Also called: VPS13C-related condition.

Allele frequency attached by ClinVar (database versions not stated): TOPMed 0.00002; gnomAD 0.00003; gnomAD exomes 0.00004; ExAC 0.00006; 1000 Genomes Project 30x 0.00016; 1000 Genomes Project 0.00020.
gnomAD v4.1: 68 of 1,605,830 alleles (0.0042%); highest among the groups gnomAD compares: Middle Eastern, 0.33%; 1 homozygote.

Submissions (3):

Labcorp Genetics (formerly Invitae), Labcorp
Classification: Likely benign. Last evaluated: 2024-10-22. Review status: criteria provided, single submitter. Criteria: Invitae Variant Classification Sherloc (09022015). Collection method: clinical testing. Allele origin: germline.

CeGaT Center for Human Genetics Tuebingen
Classification: Likely benign. Last evaluated: 2022-09-01. Review status: criteria provided, single submitter. Criteria: CeGaT Center For Human Genetics Tuebingen Variant Classification Criteria Version 2. Collection method: clinical testing. Allele origin: germline. Affected: yes. Observed: 1 variant allele.
Comment: VPS13C: BP4, BP7

PreventionGenetics, part of Exact Sciences
Classification: Likely benign for VPS13C-related condition. Last evaluated: 2019-06-10. Review status: no assertion criteria provided. Collection method: clinical testing. Allele origin: germline. Not counted in ClinVar's aggregate classification.
Comment: This variant is classified as likely benign based on ACMG/AMP sequence variant interpretation guidelines (Richards et al. 2015 PMID: 25741868, with internal and published modifications).